The following is an entry in ClinVar:

NM_000082.4(ERCC8):c.271G>C (p.Gly91Arg)

Gene: ERCC8 (ERCC excision repair 8, CSA ubiquitin ligase complex subunit; minus strand). Cytogenetic location: 5q12.1.
Variant type: single nucleotide variant.
Coding change: c.271G>C on transcript NM_000082.4 (MANE Select); coding-DNA position 271, G replaced by C.
Protein change: p.Gly91Arg; replaces glycine 91 with arginine.
Molecular consequence: missense variant. On other transcripts: 5 prime UTR variant (1).
Genome position (GRCh38, 1-based): chr5:60,922,058, C>G on the plus strand (G>C on the coding strand, the complement: ERCC8 is on the minus strand). VCF-style: chr5-60922058-C-G. GRCh37 (hg19) VCF-style: chr5-60217885-C-G.
Other names: c.97G>C, p.Gly33Arg (NM_001007233.3); c.271G>C, p.Gly91Arg (NM_001007234.3); c.-107G>C (NM_001290285.2); short protein forms G91R, G33R.
Identifiers: ClinVar variation 2152469 (VCV002152469.2), dbSNP rs369951599, ClinGen allele CA3277906.

ClinVar aggregate classification (germline): Uncertain significance. Review status: criteria provided, multiple submitters, no conflicts (2 of 4 stars). 2 submissions from 2 submitters: Uncertain significance (2). Last evaluated 2022-09-22.

Conditions:
Inborn genetic diseases. Identifiers: MedGen C0950123, MeSH D030342.

Allele frequency attached by ClinVar (database versions not stated): gnomAD exomes 0.00001; ExAC 0.00002; gnomAD 0.00007; ESP Exome Variant Server 0.00008; TOPMed 0.00015; 1000 Genomes Project 30x 0.00016; 1000 Genomes Project 0.00020.
gnomAD v4.1: 21 of 1,597,162 alleles (0.0013%); highest among the groups gnomAD compares: Admixed American, 0.02%; no homozygotes.

Submissions (2):

Ambry Genetics
Classification: Uncertain significance for Inborn genetic diseases. Last evaluated: 2022-09-22. Review status: criteria provided, single submitter. Criteria: Ambry Variant Classification Scheme 2023. Collection method: clinical testing. Allele origin: germline.

Labcorp Genetics (formerly Invitae), Labcorp
Classification: Uncertain significance. Last evaluated: 2022-02-20. Review status: criteria provided, single submitter. Criteria: Invitae Variant Classification Sherloc (09022015). Collection method: clinical testing. Allele origin: germline.
Comment: This sequence change replaces glycine, which is neutral and non-polar, with arginine, which is basic and polar, at codon 91 of the ERCC8 protein (p.Gly91Arg). This variant is present in population databases (rs369951599, gnomAD 0.01%). This variant has not been reported in the literature in individuals affected with ERCC8-related conditions. Algorithms developed to predict the effect of missense changes on protein structure and function (SIFT, PolyPhen-2, Align-GVGD) all suggest that this variant is likely to be tolerated. In summary, the available evidence is currently insufficient to determine the role of this variant in disease. Therefore, it has been classified as a Variant of Uncertain Significance.